The following is an entry in ClinVar:

NM_000264.5(PTCH1):c.1068-2A>T

Gene: PTCH1 (patched 1; minus strand). Cytogenetic location: 9q22.32.
Variant type: single nucleotide variant.
Coding change: c.1068-2A>T on transcript NM_000264.5 (MANE Select); the canonical splice acceptor site of the intron before coding-DNA position 1068, A replaced by T.
Molecular consequence: splice acceptor variant.
Genome position (GRCh38, 1-based): chr9:95,479,149, T>A on the plus strand (A>T on the coding strand, the complement: PTCH1 is on the minus strand). VCF-style: chr9-95479149-T-A. GRCh37 (hg19) VCF-style: chr9-98241431-T-A.
Other names: c.1065-2A>T (NM_001083603.3); c.870-2A>T (NM_001083602.3); c.1068-2A>T (NM_001354918.2); c.615-2A>T (NM_001083605.3, NM_001083604.3, NM_001083606.3 and 1 more transcripts).
Identifiers: ClinVar variation 409147 (VCV000409147.9), dbSNP rs1060502271, ClinGen allele CA16612775.

ClinVar aggregate classification (germline): Pathogenic (1 of 4 stars; one submission).

Conditions:
Gorlin syndrome. Also called: Nevoid Basal Cell Carcinoma Syndrome; Basal cell nevus syndrome. Identifiers: Orphanet 377, MedGen C0004779, MONDO:0007187.

Submission:

Labcorp Genetics (formerly Invitae), Labcorp
Classification: Pathogenic for Gorlin syndrome. Last evaluated: 2025-09-27. Review status: criteria provided, single submitter. Criteria: Invitae Variant Classification Sherloc (09022015). Collection method: clinical testing. Allele origin: germline.
Comment: This sequence change affects an acceptor splice site in intron 7 of the PTCH1 gene. It is expected to disrupt RNA splicing. Variants that disrupt the donor or acceptor splice site typically lead to a loss of protein function (PMID: 16199547), and loss-of-function variants in PTCH1 are known to be pathogenic (PMID: 16301862, 16419085). This variant is not present in population databases (gnomAD no frequency). Disruption of this splice site has been observed in individual(s) with nevoid basal cell carcinoma syndrome (PMID: 8981943, 30754660). It has also been observed to segregate with disease in related individuals. ClinVar contains an entry for this variant (Variation ID: 409147). Algorithms developed to predict the effect of sequence changes on RNA splicing suggest that this variant may disrupt the consensus splice site. For these reasons, this variant has been classified as Pathogenic.

Literature cited by the submitters: PubMed 16199547; PubMed 16301862; PubMed 16419085; PubMed 8981943; PubMed 30754660.